The following is an entry in ClinVar:

ClinVar aggregate classification (germline): Uncertain significance. Review status: criteria provided, multiple submitters, no conflicts (2 of 4 stars). 2 submissions from 2 submitters: Uncertain significance (2). Last evaluated 2022-12-07.

Conditions:
DICER1-related tumor predisposition. Also called: DICER1-related pleuropulmonary blastoma cancer predisposition syndrome; DICER1 syndrome. Identifiers: Orphanet 284343, MedGen C3839822, MONDO:0100216.
Hereditary cancer-predisposing syndrome. Also called: Neoplastic Syndromes, Hereditary; Hereditary Cancer Syndrome; Hereditary neoplastic syndrome; Tumor predisposition. Identifiers: Orphanet 140162, MedGen C0027672, MeSH D009386, MONDO:0015356.

Submissions (2):

Labcorp Genetics (formerly Invitae), Labcorp
Classification: Uncertain significance for DICER1-related tumor predisposition. Last evaluated: 2022-12-07. Review status: criteria provided, single submitter. Criteria: Invitae Variant Classification Sherloc (09022015). Collection method: clinical testing. Allele origin: germline.
Comment: In summary, the available evidence is currently insufficient to determine the role of this variant in disease. Therefore, it has been classified as a Variant of Uncertain Significance. Experimental studies and prediction algorithms are not available or were not evaluated, and the functional significance of this variant is currently unknown. ClinVar contains an entry for this variant (Variation ID: 824579). This variant has not been reported in the literature in individuals affected with DICER1-related conditions. This variant is not present in population databases (gnomAD no frequency). This variant, c.4087_4089del, results in the deletion of 1 amino acid(s) of the DICER1 protein (p.Lys1363del), but otherwise preserves the integrity of the reading frame.

Ambry Genetics
Classification: Uncertain significance for Hereditary cancer-predisposing syndrome. Last evaluated: 2019-11-20. Review status: criteria provided, single submitter. Criteria: Ambry Variant Classification Scheme 2023. Collection method: clinical testing. Allele origin: germline.
Comment: The c.4087_4089delAAG variant (also known as p.K1363del) is located in coding exon 21 of the DICER1 gene. This variant results from an in-frame AAG deletion at nucleotide positions 4087 to 4089. This results in the in-frame deletion of a lysine at codon 1363. This amino acid position is well conserved in available vertebrate species. In addition, this alteration is predicted to be deleterious by in silico analysis (Choi Y et al. PLoS ONE. 2012; 7(10):e46688). Since supporting evidence is limited at this time, the clinical significance of this alteration remains unclear.

NM_177438.3(DICER1):c.4084AAG[1] (p.Lys1363del)

Gene: DICER1 (dicer 1, ribonuclease III; minus strand). Cytogenetic location: 14q32.13.
Variant type: Microsatellite.
Coding change: c.4084AAG[1] on transcript NM_177438.3 (MANE Select); one copy of the 3-base unit AAG starting at c.4084; the reference has two copies in a row; one copy, 3 bases deleted.
Protein change: p.Lys1363del; deletes lysine 1363.
Molecular consequence: inframe deletion.
Genome position (GRCh38, 1-based): chr14:95,099,897-95,099,899, CTT deleted on the plus strand (AAG on the coding strand, the reverse complement: DICER1 is on the minus strand); deleting any 3 consecutive bases within chr14:95,099,897-95,099,902 gives the same sequence; the position shown is the placement nearest the transcript's 3' end. VCF-style (leftmost placement, unchanged base first): chr14-95099896-CCTT-C. GRCh37 (hg19) VCF-style: chr14-95566233-CCTT-C.
Other names: c.4084AAG[1], p.Lys1363del (NM_001195573.1, NM_001291628.2, NM_030621.4 and 1 more transcripts); short protein forms K1363del.
Identifiers: ClinVar variation 824579 (VCV000824579.7), dbSNP rs1595353702, ClinGen allele CA915946367.